The following is an entry in ClinVar:

ClinVar aggregate classification (germline): Uncertain significance. Review status: criteria provided, multiple submitters, no conflicts (2 of 4 stars). 2 submissions from 2 submitters: Uncertain significance (2). Last evaluated 2025-11-04.

Allele frequency attached by ClinVar (database versions not stated): gnomAD 0.00001; gnomAD exomes 0.00001; ExAC 0.00007; 1000 Genomes Project 30x 0.00016; 1000 Genomes Project 0.00020.
gnomAD v4.1: 30 of 1,613,848 alleles (0.0019%); highest among the groups gnomAD compares: South Asian, 0.022%; no homozygotes.

Submissions (2):

Labcorp Genetics (formerly Invitae), Labcorp
Classification: Uncertain significance. Last evaluated: 2025-11-04. Review status: criteria provided, single submitter. Criteria: Invitae Variant Classification Sherloc (09022015). Collection method: clinical testing. Allele origin: germline.
Comment: This sequence change replaces serine, which is neutral and polar, with glycine, which is neutral and non-polar, at codon 861 of the ITGAM protein (p.Ser861Gly). This variant is present in population databases (rs555964677, gnomAD 0.03%). This variant has not been reported in the literature in individuals affected with ITGAM-related conditions. ClinVar contains an entry for this variant (Variation ID: 1922592). An algorithm developed to predict the effect of missense changes on protein structure and function (PolyPhen-2) suggests that this variant is likely to be tolerated. In summary, the available evidence is currently insufficient to determine the role of this variant in disease. Therefore, it has been classified as a Variant of Uncertain Significance.

Ambry Genetics
Classification: Uncertain significance. Last evaluated: 2021-08-02. Review status: criteria provided, single submitter. Criteria: Ambry Variant Classification Scheme 2023. Collection method: clinical testing. Allele origin: germline.

NM_000632.4(ITGAM):c.2581A>G (p.Ser861Gly)

Gene: ITGAM (integrin subunit alpha M; plus strand). Cytogenetic location: 16p11.2.
Variant type: single nucleotide variant.
Coding change: c.2581A>G on transcript NM_000632.4 (MANE Select); coding-DNA position 2581, A replaced by G.
Protein change: p.Ser861Gly; replaces serine 861 with glycine.
Molecular consequence: missense variant.
Genome position (GRCh38, 1-based): chr16:31,325,575, A>G. VCF-style: chr16-31325575-A-G. GRCh37 (hg19) VCF-style: chr16-31336896-A-G.
Other names: c.2584A>G, p.Ser862Gly (NM_001145808.2); short protein forms S861G, S862G.
Identifiers: ClinVar variation 1922592 (VCV001922592.6), dbSNP rs555964677, ClinGen allele CA8025870.